The following is an entry in ClinVar:

ClinVar aggregate classification (germline): Conflicting classifications of pathogenicity. Review status: criteria provided, conflicting classifications (1 of 4 stars). 5 submissions from 5 submitters: Uncertain significance (2); Benign (1); Likely benign (2). Last evaluated 2025-09-30.

Conditions:
KMT2D-related disorder. Also called: KMT2D-Related Disorders.
Kabuki syndrome. Also called: NIIKAWA-KUROKI SYNDROME; Kabuki make-up syndrome. Identifiers: Orphanet 2322, MedGen C0796004, MONDO:0016512.
Kabuki syndrome 1 (KABUK1). Also called: KMT2D-Related Kabuki Syndrome. Identifiers: Orphanet 2322, MedGen CN030661, MONDO:0007843, OMIM 147920.

Allele frequency attached by ClinVar (database versions not stated): ExAC 0.00002; gnomAD 0.00001 and 0.00002.
gnomAD v4.1: 11 of 1,613,416 alleles (0.00068%); highest among the groups gnomAD compares: Admixed American, 0.0033%; no homozygotes.

Submissions (5):

PreventionGenetics, part of Exact Sciences
Classification: Likely benign for KMT2D-related condition. Last evaluated: 2025-09-30. Review status: criteria provided, single submitter. Criteria: ACMG Guidelines, 2015. Collection method: clinical testing. Allele origin: germline.
Comment: This variant is classified as likely benign based on ACMG/AMP sequence variant interpretation guidelines (Richards et al. 2015 PMID: 25741868, with internal and published modifications).

Labcorp Genetics (formerly Invitae), Labcorp
Classification: Benign for Kabuki syndrome. Last evaluated: 2025-05-13. Review status: criteria provided, single submitter. Criteria: Invitae Variant Classification Sherloc (09022015). Collection method: clinical testing. Allele origin: germline.

Blueprint Genetics
Classification: Likely benign. Last evaluated: 2024-08-16. Review status: criteria provided, single submitter. Criteria: ACMG Guidelines, 2015. Collection method: clinical testing. Allele origin: germline.

Fulgent Genetics
Classification: Uncertain significance for Kabuki syndrome 1. Last evaluated: 2018-10-31. Review status: criteria provided, single submitter. Criteria: ACMG Guidelines, 2015. Collection method: clinical testing. Allele origin: unknown.

Eurofins Ntd Llc (ga)
Classification: Uncertain significance. Last evaluated: 2012-11-20. Review status: criteria provided, single submitter. Criteria: EGL Classification Definitions 2015. Collection method: clinical testing. Allele origin: germline. Observed: 2 variant alleles, 2 heterozygotes.

NM_003482.4(KMT2D):c.11150A>C (p.Gln3717Pro)

Gene: KMT2D (lysine methyltransferase 2D; minus strand). Cytogenetic location: 12q13.12.
Variant type: single nucleotide variant.
Coding change: c.11150A>C on transcript NM_003482.4 (MANE Select); coding-DNA position 11150, A replaced by C.
Protein change: p.Gln3717Pro; replaces glutamine 3717 with proline.
Molecular consequence: missense variant.
Genome position (GRCh38, 1-based): chr12:49,033,555, T>G on the plus strand (A>C on the coding strand, the complement: KMT2D is on the minus strand). VCF-style: chr12-49033555-T-G. GRCh37 (hg19) VCF-style: chr12-49427338-T-G.
Other names: short protein forms Q3717P.
Identifiers: ClinVar variation 94147 (VCV000094147.16), dbSNP rs398123705, ClinGen allele CA221992.